The following is an entry in ClinVar:

ClinVar aggregate classification (germline): Uncertain significance (1 of 4 stars; one submission).

Conditions:
Evans syndrome, immunodeficiency, and premature immunosenescence associated with tripeptidyl-peptidase II deficiency. Identifiers: MedGen CN231723. Disease mechanism: loss of function.

gnomAD v4.1: 6 of 1,612,764 alleles (0.00037%); highest among the groups gnomAD compares: Non-Finnish European, 0.00051%; no homozygotes.

Submission:

Labcorp Genetics (formerly Invitae), Labcorp
Classification: Uncertain significance for Evans syndrome, immunodeficiency, and premature immunosenescence associated with tripeptidyl-peptidase II deficiency. Last evaluated: 2022-03-28. Review status: criteria provided, single submitter. Criteria: Invitae Variant Classification Sherloc (09022015). Collection method: clinical testing. Allele origin: germline.
Comment: This sequence change replaces valine, which is neutral and non-polar, with phenylalanine, which is neutral and non-polar, at codon 317 of the TPP2 protein (p.Val317Phe). This variant is not present in population databases (gnomAD no frequency). This variant has not been reported in the literature in individuals affected with TPP2-related conditions. Algorithms developed to predict the effect of missense changes on protein structure and function are either unavailable or do not agree on the potential impact of this missense change (SIFT: "Deleterious"; PolyPhen-2: "Possibly Damaging"; Align-GVGD: "Class C0"). Algorithms developed to predict the effect of sequence changes on RNA splicing suggest that this variant may disrupt the consensus splice site. In summary, the available evidence is currently insufficient to determine the role of this variant in disease. Therefore, it has been classified as a Variant of Uncertain Significance.

NM_001330588.2(TPP2):c.949G>T (p.Val317Phe)

Gene: TPP2 (tripeptidyl peptidase 2; plus strand). Cytogenetic location: 13q33.1.
Variant type: single nucleotide variant.
Coding change: c.949G>T on transcript NM_001330588.2 (MANE Select); coding-DNA position 949, G replaced by T.
Protein change: p.Val317Phe; replaces valine 317 with phenylalanine.
Molecular consequence: missense variant. On other transcripts: non-coding transcript variant (1).
Genome position (GRCh38, 1-based): chr13:102,627,857, G>T. VCF-style: chr13-102627857-G-T. GRCh37 (hg19) VCF-style: chr13-103280207-G-T.
Other names: c.949G>T, p.Val317Phe (NM_001367947.1, NM_003291.4); short protein forms V317F.
Identifiers: ClinVar variation 1938418 (VCV001938418.4), dbSNP rs1566337078, ClinGen allele CA388480633.